The following is an entry in ClinVar:

NM_021072.4(HCN1):c.1845C>G (p.Asn615Lys)

Gene: HCN1 (hyperpolarization activated cyclic nucleotide gated potassium channel 1; minus strand). Cytogenetic location: 5p12.
Variant type: single nucleotide variant.
Coding change: c.1845C>G on transcript NM_021072.4 (MANE Select); coding-DNA position 1845, C replaced by G.
Protein change: p.Asn615Lys; replaces asparagine 615 with lysine.
Molecular consequence: missense variant.
Genome position (GRCh38, 1-based): chr5:45,262,749, G>C on the plus strand (C>G on the coding strand, the complement: HCN1 is on the minus strand). VCF-style: chr5-45262749-G-C. GRCh37 (hg19) VCF-style: chr5-45262851-G-C.
Other names: short protein forms N615K.
Identifiers: ClinVar variation 984593 (VCV000984593.4), dbSNP rs200841444, ClinGen allele CA118278388.
Genomic context (GRCh38, chr5:45,262,749, plus strand): 5'-TGCCTGCACCATCTCCCTGTCATGTTTCACAATCTGCTTGAGGATTTCGTTCTCCTGATT[G>C]TTGAAAACACCAGTGTTCAGATCCTTCTGGAACTTTTGCAGAAGAATTGAATTTTTCTTT-3'
Protein context (NP_066550.2, residues 605-625): FQKDLNTGVF[Asn615Lys]NQENEILKQI

ClinVar aggregate classification (germline): Uncertain significance. Review status: criteria provided, multiple submitters, no conflicts (2 of 4 stars). 3 submissions from 3 submitters: Uncertain significance (2). 1 of the submissions does not count toward it. Last evaluated 2025-11-03.

Conditions:
Neurodevelopmental abnormality. Identifiers: MedGen C4022737, HP:0012759.
Inborn genetic diseases. Identifiers: MedGen C0950123, MeSH D030342.

Allele frequency attached by ClinVar (database versions not stated): gnomAD 0.00001; gnomAD exomes 0.00001; TOPMed 0.00001.
gnomAD v4.1: 5 of 1,614,012 alleles (0.00031%); highest among the groups gnomAD compares: Non-Finnish European, 0.00042%; no homozygotes.

Submissions (3):

Ambry Genetics
Classification: Uncertain significance for Inborn genetic diseases. Last evaluated: 2025-11-03. Review status: criteria provided, single submitter. Criteria: Ambry Variant Classification Scheme 2023. Collection method: clinical testing. Allele origin: germline.

GeneDx
Classification: Uncertain significance. Last evaluated: 2024-04-03. Review status: criteria provided, single submitter. Criteria: GeneDx Variant Classification Process June 2021. Collection method: clinical testing. Allele origin: germline. Affected: yes.
Comment: In silico analysis supports that this missense variant has a deleterious effect on protein structure/function; Has not been previously published as pathogenic or benign to our knowledge

Department of Genetics, Rouen University Hospital, Normandy Center for Genomic and Personalized Medicine
Classification: Uncertain significance for Neurodevelopmental abnormality. Last evaluated: 2020-09-23. Review status: no assertion criteria provided. Collection method: clinical testing. Allele origin: unknown. Affected: yes. Not counted in ClinVar's aggregate classification.